The following is an entry in ClinVar:

ClinVar aggregate classification (germline): Uncertain significance. Review status: criteria provided, multiple submitters, no conflicts (2 of 4 stars). 5 submissions from 5 submitters: Uncertain significance (5). Last evaluated 2025-12-13.

Conditions:
Lynch syndrome 5 (LYNCH5). Also called: Hereditary non-polyposis colorectal cancer, type 5; Colorectal cancer, hereditary nonpolyposis, type 5. Identifiers: Orphanet 144, MedGen C1833477, MONDO:0013710, OMIM 614350. Disease mechanism: loss of function.
Endometrial carcinoma. Also called: Endometrial carcinoma, somatic. Identifiers: MedGen C0476089, MONDO:0002447, OMIM 608089, HP:0012114.
Mismatch repair cancer syndrome 3. Identifiers: MedGen C5436807, MONDO:0030841, OMIM 619097.
Hereditary cancer-predisposing syndrome. Also called: Tumor predisposition; Hereditary Cancer Syndrome; Hereditary neoplastic syndrome; Neoplastic Syndromes, Hereditary. Identifiers: Orphanet 140162, MedGen C0027672, MeSH D009386, MONDO:0015356.
Hereditary nonpolyposis colorectal neoplasms. Identifiers: MedGen C0009405, MeSH D003123.
Lynch syndrome. Identifiers: Orphanet 144, MedGen C4552100, MONDO:0005835. Disease mechanism: loss of function.

Allele frequency attached by ClinVar (database versions not stated): gnomAD exomes 0.00001.
gnomAD v4.1: 16 of 1,614,166 alleles (0.00099%); highest among the groups gnomAD compares: Non-Finnish European, 0.0014%; no homozygotes.

Submissions (5):

Labcorp Genetics (formerly Invitae), Labcorp
Classification: Uncertain significance for Hereditary nonpolyposis colorectal neoplasms. Last evaluated: 2025-12-13. Review status: criteria provided, single submitter. Criteria: Invitae Variant Classification Sherloc (09022015). Collection method: clinical testing. Allele origin: germline.
Comment: This sequence change replaces valine, which is neutral and non-polar, with isoleucine, which is neutral and non-polar, at codon 364 of the MSH6 protein (p.Val364Ile). This variant is not present in population databases (gnomAD no frequency). This variant has not been reported in the literature in individuals affected with MSH6-related conditions. ClinVar contains an entry for this variant (Variation ID: 486902). Invitae Evidence Modeling of protein sequence and biophysical properties (such as structural, functional, and spatial information, amino acid conservation, physicochemical variation, residue mobility, and thermodynamic stability) indicates that this missense variant is not expected to disrupt MSH6 protein function with a negative predictive value of 95%. In summary, the available evidence is currently insufficient to determine the role of this variant in disease. Therefore, it has been classified as a Variant of Uncertain Significance.

Ambry Genetics
Classification: Uncertain significance for Hereditary cancer-predisposing syndrome. Last evaluated: 2025-02-15. Review status: criteria provided, single submitter. Criteria: Ambry Variant Classification Scheme 2023. Collection method: clinical testing. Allele origin: germline.
Comment: The p.V364I variant (also known as c.1090G>A), located in coding exon 4 of the MSH6 gene, results from a G to A substitution at nucleotide position 1090. The valine at codon 364 is replaced by isoleucine, an amino acid with highly similar properties. This amino acid position is not well conserved in available vertebrate species. In addition, this alteration is predicted to be tolerated by in silico analysis. Since supporting evidence is limited at this time, the clinical significance of this alteration remains unclear.

Department of Pathology and Laboratory Medicine, Sinai Health System
Classification: Uncertain significance for Endometrial carcinoma; Lynch syndrome 5; Mismatch repair cancer syndrome 3. Last evaluated: 2024-07-10. Review status: criteria provided, single submitter. Criteria: ACMG Guidelines, 2015. Collection method: clinical testing. Allele origin: germline.

All of Us Research Program, National Institutes of Health
Classification: Uncertain significance for Lynch syndrome. Last evaluated: 2024-03-14. Review status: criteria provided, single submitter. Criteria: ACMG Guidelines, 2015. Collection method: clinical testing. Allele origin: germline. Inheritance: Autosomal dominant inheritance. Observed: 2 variant alleles, 2 heterozygotes.
Comment: This missense variant replaces valine with isoleucine at codon 364 of the MSH6 protein. Computational prediction suggests that this variant may not impact protein structure and function (internally defined REVEL score threshold <= 0.5, PMID: 27666373). To our knowledge, functional studies have not been reported for this variant. This variant has not been reported in individuals affected with MSH6-related disorders in the literature. This variant has not been identified in the general population by the Genome Aggregation Database (gnomAD). The available evidence is insufficient to determine the role of this variant in disease conclusively. Therefore, this variant is classified as a Variant of Uncertain Significance.

This study involves interpretation of variants in research participants for the purpose of population health screening. Participant phenotype was not available at the time of variant classification. Additional details can be found in publication PMID: 35346344, PMCID: PMC8962531

Color Diagnostics, LLC DBA Color Health
Classification: Uncertain significance for Hereditary cancer-predisposing syndrome. Last evaluated: 2024-03-07. Review status: criteria provided, single submitter. Criteria: ACMG Guidelines, 2015. Collection method: clinical testing. Allele origin: germline.
Comment: This missense variant replaces valine with isoleucine at codon 364 of the MSH6 protein. Computational prediction suggests that this variant may not impact protein structure and function (internally defined REVEL score threshold <= 0.5, PMID: 27666373). To our knowledge, functional studies have not been reported for this variant. This variant has not been reported in individuals affected with MSH6-related disorders in the literature. This variant has not been identified in the general population by the Genome Aggregation Database (gnomAD). The available evidence is insufficient to determine the role of this variant in disease conclusively. Therefore, this variant is classified as a Variant of Uncertain Significance.

NM_000179.3(MSH6):c.1090G>A (p.Val364Ile)

Gene: MSH6 (mutS homolog 6; plus strand). Cytogenetic location: 2p16.3.
Variant type: single nucleotide variant.
Coding change: c.1090G>A on transcript NM_000179.3 (MANE Select); coding-DNA position 1090, G replaced by A.
Protein change: p.Val364Ile; replaces valine 364 with isoleucine.
Molecular consequence: missense variant.
Genome position (GRCh38, 1-based): chr2:47,799,073, G>A. VCF-style: chr2-47799073-G-A. GRCh37 (hg19) VCF-style: chr2-48026212-G-A.
Other names: c.700G>A, p.Val234Ile (NM_001281492.2); c.184G>A, p.Val62Ile (NM_001281493.2, NM_001281494.2); short protein forms V364I, V234I, V62I.
Identifiers: ClinVar variation 486902 (VCV000486902.21), dbSNP rs1437629945, ClinGen allele CA346741851.
Genomic context (GRCh38, chr2:47,799,073, plus strand): 5'-CAAAATTCTGAATCCCAAGCCCACGTTAGTGGAGGTGGTGATGACAGTAGTCGCCCTACT[G>A]TTTGGTATCATGAAACTTTAGAATGGCTTAAGGAGGAAAAGAGAAGAGATGAGCACAGGA-3'
Protein context (NP_000170.1, residues 354-374): GGGDDSSRPT[Val364Ile]WYHETLEWLK